The following is an entry in ClinVar:

NM_007254.4(PNKP):c.-11C>T

Gene: PNKP (polynucleotide kinase 3'-phosphatase; minus strand). Cytogenetic location: 19q13.33.
Variant type: single nucleotide variant.
Coding change: c.-11C>T on transcript NM_007254.4 (MANE Select); 11 bases upstream of the start codon, C replaced by T.
Molecular consequence: 5 prime UTR variant.
Genome position (GRCh38, 1-based): chr19:49,867,215, G>A on the plus strand (C>T on the coding strand, the complement: PNKP is on the minus strand). VCF-style: chr19-49867215-G-A. GRCh37 (hg19) VCF-style: chr19-50370472-G-A.
Identifiers: ClinVar variation 206378 (VCV000206378.1), dbSNP rs372465811, ClinGen allele CA316439.

ClinVar aggregate classification (germline): Likely benign (1 of 4 stars; one submission).

Allele frequency attached by ClinVar (database versions not stated): gnomAD exomes 0.00002; gnomAD 0.00003 and 0.00004; TOPMed 0.00005; ESP Exome Variant Server 0.00008; ExAC 0.00001.
gnomAD v4.1: 37 of 1,607,222 alleles (0.0023%); highest among the groups gnomAD compares: African/African-American, 0.0067%; no homozygotes.

Submission:

GeneDx
Classification: Likely benign. Last evaluated: 2013-05-17. Review status: criteria provided, single submitter. Criteria: GeneDx Variant Classification (06012015). Collection method: clinical testing. Allele origin: germline. Affected: yes.
Comment: This variant is considered likely benign or benign based on one or more of the following criteria: it is a conservative change, it occurs at a poorly conserved position in the protein, it is predicted to be benign by multiple in silico algorithms, and/or has population frequency not consistent with disease.